The following is an entry in ClinVar:

ClinVar aggregate classification (germline): Uncertain significance (1 of 4 stars; one submission).

Submission:

Ambry Genetics
Classification: Uncertain significance. Last evaluated: 2022-04-19. Review status: criteria provided, single submitter. Criteria: Ambry Variant Classification Scheme 2023. Collection method: clinical testing. Allele origin: germline.
Comment: The p.D828G variant (also known as c.2483A>G), located in coding exon 4 of the ALPK2 gene, results from an A to G substitution at nucleotide position 2483. The aspartic acid at codon 828 is replaced by glycine, an amino acid with similar properties. This amino acid position is conserved. In addition, this alteration is predicted to be tolerated by in silico analysis. Since supporting evidence is limited at this time, the clinical significance of this alteration remains unclear.

NM_052947.4(ALPK2):c.2483A>G (p.Asp828Gly)

Gene: ALPK2 (alpha kinase 2; minus strand). Cytogenetic location: 18q21.31.
Variant type: single nucleotide variant.
Coding change: c.2483A>G on transcript NM_052947.4 (MANE Select); coding-DNA position 2483, A replaced by G.
Protein change: p.Asp828Gly; replaces aspartic acid 828 with glycine.
Molecular consequence: missense variant.
Genome position (GRCh38, 1-based): chr18:58,537,704, T>C on the plus strand (A>G on the coding strand, the complement: ALPK2 is on the minus strand). VCF-style: chr18-58537704-T-C. GRCh37 (hg19) VCF-style: chr18-56204936-T-C.
Other names: short protein forms D828G.
Identifiers: ClinVar variation 1791951 (VCV001791951.3), dbSNP rs2518877615, ClinGen allele CA402570436.